The following is an entry in ClinVar:

ClinVar aggregate classification (germline): Uncertain significance (1 of 4 stars; one submission).

Conditions:
Congenital brain dysgenesis due to glutamine synthetase deficiency (GLND). Also called: GLUTAMINE SYNTHASE DEFICIENCY, CONGENITAL SYSTEMIC. Identifiers: Orphanet 71278, MedGen C1864910, MONDO:0012393, OMIM 610015.

Allele frequency attached by ClinVar (database versions not stated): gnomAD exomes below 0.00001; ExAC 0.00001; gnomAD 0.00001.

Submission:

Labcorp Genetics (formerly Invitae), Labcorp
Classification: Uncertain significance for Congenital brain dysgenesis due to glutamine synthetase deficiency. Last evaluated: 2024-12-16. Review status: criteria provided, single submitter. Criteria: Invitae Variant Classification Sherloc (09022015). Collection method: clinical testing. Allele origin: germline.
Comment: This sequence change replaces methionine, which is neutral and non-polar, with threonine, which is neutral and polar, at codon 18 of the GLUL protein (p.Met18Thr). This variant is present in population databases (rs776603995, gnomAD 0.007%). This variant has not been reported in the literature in individuals affected with GLUL-related conditions. ClinVar contains an entry for this variant (Variation ID: 2085178). An algorithm developed to predict the effect of missense changes on protein structure and function (PolyPhen-2) suggests that this variant is likely to be disruptive. In summary, the available evidence is currently insufficient to determine the role of this variant in disease. Therefore, it has been classified as a Variant of Uncertain Significance.

NM_001033044.4(GLUL):c.53T>C (p.Met18Thr)

Gene: GLUL (glutamate-ammonia ligase; minus strand). Cytogenetic location: 1q25.3.
Variant type: single nucleotide variant.
Coding change: c.53T>C on transcript NM_001033044.4 (MANE Select); coding-DNA position 53, T replaced by C.
Protein change: p.Met18Thr; replaces methionine 18 with threonine.
Molecular consequence: missense variant.
Genome position (GRCh38, 1-based): chr1:182,388,685, A>G on the plus strand (T>C on the coding strand, the complement: GLUL is on the minus strand). VCF-style: chr1-182388685-A-G. GRCh37 (hg19) VCF-style: chr1-182357820-A-G.
Other names: c.53T>C, p.Met18Thr (NM_001033056.4, NM_002065.7); short protein forms M18T.
Identifiers: ClinVar variation 2085178 (VCV002085178.4), dbSNP rs776603995, ClinGen allele CA1277264.
Genomic context (GRCh38, chr1:182,388,685, plus strand): 5'-TCTCCAGTACCATCGATCCAGATATACATGGCCTGGACTTTCTCACCCTGAGGCAGGGAC[A>G]TGTACACCTGCTTGATGCCTTTATTTAAGTGGGAACTTGCTGAGGTGGTCATGGTGGAAG-3'
Protein context (NP_001028216.1, residues 8-28): HLNKGIKQVY[Met18Thr]SLPQGEKVQA